The following is an entry in ClinVar:

NM_001242896.3(DEPDC5):c.3727G>A (p.Ala1243Thr)

Gene: DEPDC5 (DEP domain containing 5, GATOR1 subcomplex subunit; plus strand). Cytogenetic location: 22q12.3.
Variant type: single nucleotide variant.
Coding change: c.3727G>A on transcript NM_001242896.3 (MANE Select); coding-DNA position 3727, G replaced by A.
Protein change: p.Ala1243Thr; replaces alanine 1243 with threonine.
Molecular consequence: missense variant. On other transcripts: non-coding transcript variant (2).
Genome position (GRCh38, 1-based): chr22:31,876,187, G>A. VCF-style: chr22-31876187-G-A. GRCh37 (hg19) VCF-style: chr22-32272173-G-A.
Other names: c.3700G>A, p.Ala1234Thr (NM_001136029.4); c.3427G>A, p.Ala1143Thr (NM_001242897.2); c.3661G>A, p.Ala1221Thr (NM_001363852.2, NM_001364320.2); c.3493G>A, p.Ala1165Thr (NM_001363854.2, NM_001364319.2); c.3727G>A, p.Ala1243Thr (NM_001364318.2); c.3643G>A, p.Ala1215Thr (NM_001369901.1, NM_001369902.1); c.3634G>A, p.Ala1212Thr (NM_001369903.1, NM_014662.6); short protein forms A1212T, A1234T, A1165T, A1215T, A1243T, A1143T, A1221T.
Identifiers: ClinVar variation 4617253 (VCV004617253.2).

ClinVar aggregate classification (germline): Uncertain significance. Review status: criteria provided, multiple submitters, no conflicts (2 of 4 stars). 2 submissions from 2 submitters: Uncertain significance (2). Last evaluated 2025-09-25.

Conditions:
Familial focal epilepsy with variable foci (FPEVF). Identifiers: Orphanet 98820, MedGen C1858477, MONDO:0020310.
Inborn genetic diseases. Identifiers: MedGen C0950123, MeSH D030342.

Submissions (2):

Ambry Genetics
Classification: Uncertain significance for Inborn genetic diseases. Last evaluated: 2025-09-25. Review status: criteria provided, single submitter. Criteria: Ambry Variant Classification Scheme 2023. Collection method: clinical testing. Allele origin: germline.

Labcorp Genetics (formerly Invitae), Labcorp
Classification: Uncertain significance for Familial focal epilepsy with variable foci. Last evaluated: 2025-06-22. Review status: criteria provided, single submitter. Criteria: Invitae Variant Classification Sherloc (09022015). Collection method: clinical testing. Allele origin: germline.
Comment: This sequence change replaces alanine, which is neutral and non-polar, with threonine, which is neutral and polar, at codon 1243 of the DEPDC5 protein (p.Ala1243Thr). This variant is not present in population databases (gnomAD no frequency). This variant has not been reported in the literature in individuals affected with DEPDC5-related conditions. Experimental studies and prediction algorithms are not available or were not evaluated, and the functional significance of this variant is currently unknown. In summary, the available evidence is currently insufficient to determine the role of this variant in disease. Therefore, it has been classified as a Variant of Uncertain Significance.